The following is an entry in ClinVar:

ClinVar aggregate classification (germline): Uncertain significance (1 of 4 stars; one submission).

Conditions:
Developmental and epileptic encephalopathy, 23 (DEE23). Also called: Epileptic encephalopathy, early infantile, 23. Identifiers: Orphanet 411986, MedGen C4014492, MONDO:0014371, OMIM 615859.

Submission:

Labcorp Genetics (formerly Invitae), Labcorp
Classification: Uncertain significance for Developmental and epileptic encephalopathy, 23. Last evaluated: 2024-02-23. Review status: criteria provided, single submitter. Criteria: Invitae Variant Classification Sherloc (09022015). Collection method: clinical testing. Allele origin: germline.
Comment: This sequence change falls in intron 44 of the DOCK7 gene. It does not directly change the encoded amino acid sequence of the DOCK7 protein. It affects a nucleotide within the consensus splice site. This variant is not present in population databases (gnomAD no frequency). This variant has not been reported in the literature in individuals affected with DOCK7-related conditions. ClinVar contains an entry for this variant (Variation ID: 2048642). Variants that disrupt the consensus splice site are a relatively common cause of aberrant splicing (PMID: 17576681, 9536098). Algorithms developed to predict the effect of sequence changes on RNA splicing suggest that this variant is not likely to affect RNA splicing. In summary, the available evidence is currently insufficient to determine the role of this variant in disease. Therefore, it has been classified as a Variant of Uncertain Significance.

Literature cited by the submitters: PubMed 17576681; PubMed 9536098.

NM_001367561.1(DOCK7):c.5724+6G>A

Gene: DOCK7 (dedicator of cytokinesis 7; minus strand). Cytogenetic location: 1p31.3.
Variant type: single nucleotide variant.
Coding change: c.5724+6G>A on transcript NM_001367561.1 (MANE Select); 6 bases into the intron after coding-DNA position 5724, G replaced by A.
Molecular consequence: intron variant.
Genome position (GRCh38, 1-based): chr1:62,476,061, C>T on the plus strand (G>A on the coding strand, the complement: DOCK7 is on the minus strand). VCF-style: chr1-62476061-C-T. GRCh37 (hg19) VCF-style: chr1-62941732-C-T.
Other names: c.5598+6G>A (NM_001272001.2); c.5604+6G>A (NM_001272000.2); c.5631+6G>A (NM_033407.4); c.5691+6G>A (NM_001271999.2); c.5697+6G>A (NM_001330614.2).
Identifiers: ClinVar variation 2048642 (VCV002048642.3), dbSNP rs2523744025, ClinGen allele CA2580063108.